The following is an entry in ClinVar:

ClinVar aggregate classification (germline): Uncertain significance. Review status: criteria provided, multiple submitters, no conflicts (2 of 4 stars). 3 submissions from 3 submitters: Uncertain significance (3). Last evaluated 2023-10-16.

Conditions:
Inborn genetic diseases. Identifiers: MedGen C0950123, MeSH D030342.

Allele frequency attached by ClinVar (database versions not stated): gnomAD 0.00001; TOPMed 0.00003; gnomAD exomes 0.00004.
gnomAD v4.1: 62 of 1,610,358 alleles (0.0039%); highest among the groups gnomAD compares: Middle Eastern, 0.016%; no homozygotes.

Submissions (3):

Ambry Genetics
Classification: Uncertain significance for Inborn genetic diseases. Last evaluated: 2023-10-16. Review status: criteria provided, single submitter. Criteria: Ambry Variant Classification Scheme 2023. Collection method: clinical testing. Allele origin: germline.

Blueprint Genetics
Classification: Uncertain significance. Last evaluated: 2023-10-09. Review status: criteria provided, single submitter. Criteria: ACMG Guidelines, 2015. Collection method: clinical testing. Allele origin: germline.

Labcorp Genetics (formerly Invitae), Labcorp
Classification: Uncertain significance. Last evaluated: 2023-07-29. Review status: criteria provided, single submitter. Criteria: Invitae Variant Classification Sherloc (09022015). Collection method: clinical testing. Allele origin: germline.
Comment: In summary, the available evidence is currently insufficient to determine the role of this variant in disease. Therefore, it has been classified as a Variant of Uncertain Significance. This sequence change replaces glycine, which is neutral and non-polar, with arginine, which is basic and polar, at codon 48 of the ARMC9 protein (p.Gly48Arg). This variant is present in population databases (rs759105498, gnomAD 0.006%). This variant has not been reported in the literature in individuals affected with ARMC9-related conditions. Experimental studies and prediction algorithms are not available or were not evaluated, and the functional significance of this variant is currently unknown.

NM_001352754.2(ARMC9):c.142G>A (p.Gly48Arg)

Gene: ARMC9 (armadillo repeat containing 9; plus strand). Cytogenetic location: 2q37.1.
Variant type: single nucleotide variant.
Coding change: c.142G>A on transcript NM_001352754.2 (MANE Select); coding-DNA position 142, G replaced by A.
Protein change: p.Gly48Arg; replaces glycine 48 with arginine.
Molecular consequence: missense variant. On other transcripts: non-coding transcript variant (1).
Genome position (GRCh38, 1-based): chr2:231,208,217, G>A. VCF-style: chr2-231208217-G-A. GRCh37 (hg19) VCF-style: chr2-232072930-G-A.
Other names: c.142G>A (NM_025139.3); c.142G>A, p.Gly48Arg (NM_001271466.4, NM_001291656.2, NM_001352755.2 and 5 more transcripts); short protein forms G48R.
Identifiers: ClinVar variation 2863242 (VCV002863242.4), dbSNP rs759105498, ClinGen allele CA66811716.